The following is an entry in ClinVar:

NM_001972.4(ELANE):c.745T>A (p.Ser249Thr)

Gene: ELANE (elastase, neutrophil expressed; plus strand). Cytogenetic location: 19p13.3.
Variant type: single nucleotide variant.
Coding change: c.745T>A on transcript NM_001972.4 (MANE Select); coding-DNA position 745, T replaced by A.
Protein change: p.Ser249Thr; replaces serine 249 with threonine.
Molecular consequence: missense variant.
Genome position (GRCh38, 1-based): chr19:856,105, T>A. VCF-style: chr19-856105-T-A. GRCh37 (hg19) VCF-style: chr19-856105-T-A.
Other names: short protein forms S249T.
Identifiers: ClinVar variation 4870360 (VCV004870360.1).

ClinVar aggregate classification (germline): Uncertain significance (1 of 4 stars; one submission).

Conditions:
Inborn genetic diseases. Identifiers: MedGen C0950123, MeSH D030342.

Submission:

Ambry Genetics
Classification: Uncertain significance for Inborn genetic diseases. Last evaluated: 2026-04-28. Review status: criteria provided, single submitter. Criteria: Ambry Variant Classification Scheme 2023. Collection method: clinical testing. Allele origin: germline.
Comment: The p.S249T variant (also known as c.745T>A), located in coding exon 5 of the ELANE gene, results from a T to A substitution at nucleotide position 745. The serine at codon 249 is replaced by threonine, an amino acid with similar properties. This amino acid position is conserved. In addition, this alteration is predicted to be tolerated by in silico analysis. Based on the available evidence, the clinical significance of this variant remains unclear.